The following is an entry in ClinVar:

ClinVar aggregate classification (germline): Uncertain significance (1 of 4 stars; one submission).

gnomAD v4.1: 1 of 1,614,094 alleles (0.000062%); highest among the groups gnomAD compares: African/African-American, 0.0013%; no homozygotes.

Submission:

OLLIN Analises Genomicas, OLLIN
Classification: Uncertain significance. Last evaluated: 2026-08-06. Review status: criteria provided, single submitter. Criteria: ACMG Guidelines 2015 PMID 25741868. Collection method: clinical testing. Allele origin: germline.
Comment: This missense variant, located in exon 10 (of 12), has been observed in gnomAD with an allele frequency of 0.000062%, but has not been reported in ClinVar or identified in the literature. In silico analysis predicts that this variant has a deleterious effect. According to the currently available evidence, this variant has been classified as uncertain significance (PM2_P, PP3_M).

NM_014458.4(KLHL20):c.1529A>G (p.Tyr510Cys)

Gene: KLHL20 (kelch like family member 20; plus strand). Cytogenetic location: 1q25.1.
Variant type: single nucleotide variant.
Coding change: c.1529A>G on transcript NM_014458.4 (MANE Select); coding-DNA position 1529, A replaced by G.
Protein change: p.Tyr510Cys; replaces tyrosine 510 with cysteine.
Molecular consequence: missense variant.
Genome position (GRCh38, 1-based): chr1:173,775,733, A>G. VCF-style: chr1-173775733-A-G. GRCh37 (hg19) VCF-style: chr1-173744872-A-G.
Other names: short protein forms Y510C.
Identifiers: ClinVar variation 5002834 (VCV005002834.1).